The following is an entry in ClinVar:

NM_022114.4(PRDM16):c.2027C>T (p.Pro676Leu)

Gene: PRDM16 (PR/SET domain 16; plus strand). Cytogenetic location: 1p36.32.
Variant type: single nucleotide variant.
Coding change: c.2027C>T on transcript NM_022114.4 (MANE Select); coding-DNA position 2027, C replaced by T.
Protein change: p.Pro676Leu; replaces proline 676 with leucine.
Molecular consequence: missense variant.
Genome position (GRCh38, 1-based): chr1:3,412,224, C>T. VCF-style: chr1-3412224-C-T. GRCh37 (hg19) VCF-style: chr1-3328788-C-T.
Other names: c.2027C>T, p.Pro676Leu (NM_199454.3); short protein forms P676L.
Identifiers: ClinVar variation 2183423 (VCV002183423.4), dbSNP rs1163688177, ClinGen allele CA337999532.

ClinVar aggregate classification (germline): Uncertain significance (1 of 4 stars; one submission).

Conditions:
Left ventricular noncompaction 8 (LVNC8). Identifiers: Orphanet 154, Orphanet 54260, MedGen C3809288, MONDO:0014152, OMIM 615373.

Allele frequency attached by ClinVar (database versions not stated): TOPMed below 0.00001; gnomAD exomes 0.00001.
gnomAD v4.1: 10 of 1,607,846 alleles (0.00062%); highest among the groups gnomAD compares: African/African-American, 0.0027%; no homozygotes.

Submission:

Labcorp Genetics (formerly Invitae), Labcorp
Classification: Uncertain significance for Left ventricular noncompaction 8. Last evaluated: 2025-12-08. Review status: criteria provided, single submitter. Criteria: Invitae Variant Classification Sherloc (09022015). Collection method: clinical testing. Allele origin: germline.
Comment: This sequence change replaces proline, which is neutral and non-polar, with leucine, which is neutral and non-polar, at codon 676 of the PRDM16 protein (p.Pro676Leu). The frequency data for this variant in the population databases is considered unreliable, as metrics indicate poor data quality at this position in the gnomAD database. This variant has not been reported in the literature in individuals affected with PRDM16-related conditions. ClinVar contains an entry for this variant (Variation ID: 2183423). An algorithm developed to predict the effect of missense changes on protein structure and function (PolyPhen-2) suggests that this variant is likely to be tolerated. In summary, the available evidence is currently insufficient to determine the role of this variant in disease. Therefore, it has been classified as a Variant of Uncertain Significance.